The following is an entry in ClinVar:

NM_001987.5(ETV6):c.1186_1192del (p.Arg396fs)

Gene: ETV6 (ETS variant transcription factor 6; plus strand). Cytogenetic location: 12p13.2.
Variant type: Deletion.
Coding change: c.1186_1192del on transcript NM_001987.5 (MANE Select); coding-DNA positions 1186 to 1192, 7 bases deleted (AGAGCCC; older notation c.1186_1192delAGAGCCC).
Protein change: p.Arg396fs; shifts the reading frame from arginine 396.
Molecular consequence: frameshift variant. On other transcripts: intron variant (1).
Genome position (GRCh38, 1-based): chr12:11,885,959-11,885,965, AGAGCCC deleted; deleting any 7 consecutive bases within chr12:11,885,957-11,885,965 gives the same sequence; the c. name uses the placement nearest the transcript's 3' end. VCF-style (leftmost placement, unchanged base first): chr12-11885956-TCCAGAGC-T. GRCh37 (hg19) VCF-style: chr12-12038890-TCCAGAGC-T.
Other names: c.1183_1189del, p.Arg395fs (NM_001413913.1); c.1159_1165del, p.Arg387fs (NM_001413914.1); c.922_928del, p.Arg308fs (NM_001413915.1); c.1010-4982_1010-4976del (NM_001413917.1); short protein forms R387fs, R395fs, R308fs, R396fs.
Identifiers: ClinVar variation 4618892 (VCV004618892.1).

ClinVar aggregate classification (germline): Uncertain significance (1 of 4 stars; one submission).

Conditions:
Inborn genetic diseases. Identifiers: MedGen C0950123, MeSH D030342.

Submission:

Ambry Genetics
Classification: Uncertain significance for Inborn genetic diseases. Last evaluated: 2025-10-23. Review status: criteria provided, single submitter. Criteria: Ambry Variant Classification Scheme 2023. Collection method: clinical testing. Allele origin: germline.
Comment: The c.1186_1192delAGAGCCC (p.R396Cfs*7) alteration, located in exon 7 (coding exon 7) of the ETV6 gene, consists of a deletion of 7 nucleotides from position 1186 to 1192, causing a translational frameshift with a predicted alternate stop codon after 7 amino acids. This variant is not expected to trigger nonsense-mediated mRNA decay, and impacts the last 13% of the protein. The exact functional effect of this alteration is unknown. This variant was not reported in population-based cohorts in the Genome Aggregation Database (gnomAD). Based on insufficient or conflicting evidence, the clinical significance of this alteration remains unclear.